The following is an entry in ClinVar:

ClinVar aggregate classification (germline): Uncertain significance. Review status: criteria provided, multiple submitters, no conflicts (2 of 4 stars). 2 submissions from 2 submitters: Uncertain significance (2). Last evaluated 2023-05-12.

Allele frequency attached by ClinVar (database versions not stated): TOPMed below 0.00001; gnomAD 0.00002; gnomAD exomes 0.00004 and 0.00006; ExAC 0.00015.
gnomAD v4.1: 86 of 1,599,040 alleles (0.0054%); highest among the groups gnomAD compares: Non-Finnish European, 0.0067%; no homozygotes.

Submissions (2):

Blueprint Genetics
Classification: Uncertain significance. Last evaluated: 2023-05-12. Review status: criteria provided, single submitter. Criteria: ACMG Guidelines, 2015. Collection method: clinical testing. Allele origin: germline.

Labcorp Genetics (formerly Invitae), Labcorp
Classification: Uncertain significance. Last evaluated: 2022-02-04. Review status: criteria provided, single submitter. Criteria: Invitae Variant Classification Sherloc (09022015). Collection method: clinical testing. Allele origin: germline.
Comment: This variant is present in population databases (rs201110560, gnomAD 0.008%). This sequence change replaces glutamic acid, which is acidic and polar, with lysine, which is basic and polar, at codon 520 of the CACNA2D4 protein (p.Glu520Lys). In summary, the available evidence is currently insufficient to determine the role of this variant in disease. Therefore, it has been classified as a Variant of Uncertain Significance. This variant has not been reported in the literature in individuals affected with CACNA2D4-related conditions. ClinVar contains an entry for this variant (Variation ID: 1009969). Algorithms developed to predict the effect of missense changes on protein structure and function are either unavailable or do not agree on the potential impact of this missense change (SIFT: "Deleterious"; PolyPhen-2: "Benign"; Align-GVGD: "Class C55").

NM_172364.5(CACNA2D4):c.1558G>A (p.Glu520Lys)

Gene: CACNA2D4 (calcium voltage-gated channel auxiliary subunit alpha2delta 4; minus strand). Cytogenetic location: 12p13.33.
Variant type: single nucleotide variant.
Coding change: c.1558G>A on transcript NM_172364.5 (MANE Select); coding-DNA position 1558, G replaced by A.
Protein change: p.Glu520Lys; replaces glutamic acid 520 with lysine.
Molecular consequence: missense variant.
Genome position (GRCh38, 1-based): chr12:1,879,809, C>T on the plus strand (G>A on the coding strand, the complement: CACNA2D4 is on the minus strand). VCF-style: chr12-1879809-C-T. GRCh37 (hg19) VCF-style: chr12-1988975-C-T.
Other names: short protein forms E520K.
Identifiers: ClinVar variation 1009969 (VCV001009969.9), dbSNP rs201110560, ClinGen allele CA6387094.
Genomic context (GRCh38, chr12:1,879,809, plus strand): 5'-ACTGAAGCCCCAGGTTCTAATCCCTGCTACAACGTCTCCAGGAGCGGCCACTCACCGTTT[C>T]GTTCTTCTTGCTGAAGACTGGCATGGCCACAGTGGTGAGCAGTGTCAGGCTCTGAGCCTG-3'
Protein context (NP_758952.4, residues 510-530): VAMPVFSKKN[Glu520Lys]TRSHGILLGV